The following is an entry in ClinVar:

ClinVar aggregate classification (germline): Conflicting classifications of pathogenicity. Review status: criteria provided, conflicting classifications (1 of 4 stars). 2 submissions from 2 submitters: Uncertain significance (1); Likely benign (1). Last evaluated 2025-06-04.

Conditions:
Arrhythmogenic right ventricular dysplasia 5. Also called: Arrhythmogenic Right Ventricular Dysplasia/Cardiomyopathy 5; ARRHYTHMOGENIC RIGHT VENTRICULAR DYSPLASIA, FAMILIAL, 5. Identifiers: MedGen C1858379, MONDO:0011459, OMIM 604400.
Cardiomyopathy (CMYO). Also called: Cardiomyopathies. Identifiers: Orphanet 167848, MedGen C0878544, MONDO:0004994, HP:0001638. Inheritance: Various modes of inheritance.

Allele frequency attached by ClinVar (database versions not stated): 1000 Genomes Project 30x 0.00062; 1000 Genomes Project 0.00040; TOPMed below 0.00001; ExAC 0.00002; gnomAD 0.00003.
gnomAD v4.1: 7 of 1,613,912 alleles (0.00043%); highest among the groups gnomAD compares: Admixed American, 0.012%; no homozygotes.

Submissions (2):

Color Diagnostics, LLC DBA Color Health
Classification: Likely benign for Cardiomyopathy. Last evaluated: 2025-06-04. Review status: criteria provided, single submitter. Criteria: ACMG Guidelines, 2015. Collection method: clinical testing. Allele origin: germline.

All of Us Research Program, National Institutes of Health
Classification: Uncertain significance for Arrhythmogenic right ventricular dysplasia 5. Last evaluated: 2023-04-03. Review status: criteria provided, single submitter. Criteria: ACMG Guidelines, 2015. Collection method: clinical testing. Allele origin: germline. Inheritance: Autosomal dominant inheritance. Observed: 1 variant allele, 1 heterozygote.
Comment: This missense variant replaces histidine with glutamine at codon 298 of the TMEM43 protein. Computational prediction suggests that this variant may not impact protein structure and function (internally defined REVEL score threshold <= 0.5, PMID: 27666373). To our knowledge, functional studies have not been reported for this variant. This variant has not been reported in individuals affected with TMEM43-related disorders in the literature. This variant has been identified in 3/251440 chromosomes in the general population by the Genome Aggregation Database (gnomAD). The available evidence is insufficient to determine the role of this variant in disease conclusively. Therefore, this variant is classified as a Variant of Uncertain Significance.

This study involves interpretation of variants in research participants for the purpose of population health screening. Participant phenotype was not available at the time of variant classification. Additional details can be found in publication PMID: 35346344, PMCID: PMC8962531

NM_024334.3(TMEM43):c.894T>G (p.His298Gln)

Gene: TMEM43 (transmembrane protein 43; plus strand). Cytogenetic location: 3p25.1.
Variant type: single nucleotide variant.
Coding change: c.894T>G on transcript NM_024334.3 (MANE Select); coding-DNA position 894, T replaced by G.
Protein change: p.His298Gln; replaces histidine 298 with glutamine.
Molecular consequence: missense variant.
Genome position (GRCh38, 1-based): chr3:14,139,191, T>G. VCF-style: chr3-14139191-T-G. GRCh37 (hg19) VCF-style: chr3-14180691-T-G.
Other names: c.897T>G, p.His299Gln (NM_001407274.1); c.891T>G, p.His297Gln (NM_001407275.1, NM_001407276.1); c.888T>G, p.His296Gln (NM_001407277.1); c.879T>G, p.His293Gln (NM_001407278.1); c.819T>G, p.His273Gln (NM_001407279.1); c.744T>G, p.His248Gln (NM_001407280.1); short protein forms H248Q, H273Q, H293Q, H296Q, H297Q, H298Q, H299Q.
Identifiers: ClinVar variation 3070332 (VCV003070332.2), dbSNP rs188356526, ClinGen allele CA056157.